The following is an entry in ClinVar:

ClinVar aggregate classification (germline): Uncertain significance (1 of 4 stars; one submission).

Submission:

Labcorp Genetics (formerly Invitae), Labcorp
Classification: Uncertain significance. Last evaluated: 2022-10-17. Review status: criteria provided, single submitter. Criteria: Invitae Variant Classification Sherloc (09022015). Collection method: clinical testing. Allele origin: germline.
Comment: In summary, the available evidence is currently insufficient to determine the role of this variant in disease. Therefore, it has been classified as a Variant of Uncertain Significance. Algorithms developed to predict the effect of missense changes on protein structure and function output the following: SIFT: "Deleterious"; PolyPhen-2: "Benign"; Align-GVGD: "Class C0". The arginine amino acid residue is found in multiple mammalian species, which suggests that this missense change does not adversely affect protein function. This variant has not been reported in the literature in individuals affected with ZNF469-related conditions. This variant is not present in population databases (gnomAD no frequency). This sequence change replaces glycine, which is neutral and non-polar, with arginine, which is basic and polar, at codon 3775 of the ZNF469 protein (p.Gly3775Arg).

NM_001367624.2(ZNF469):c.11407G>C (p.Gly3803Arg)

Gene: ZNF469 (zinc finger protein 469; plus strand). Cytogenetic location: 16q24.2.
Variant type: single nucleotide variant.
Coding change: c.11407G>C on transcript NM_001367624.2 (MANE Select); coding-DNA position 11407, G replaced by C.
Protein change: p.Gly3803Arg; replaces glycine 3803 with arginine.
Molecular consequence: missense variant.
Genome position (GRCh38, 1-based): chr16:88,438,877, G>C. VCF-style: chr16-88438877-G-C. GRCh37 (hg19) VCF-style: chr16-88505285-G-C.
Other names: short protein forms G3803R.
Identifiers: ClinVar variation 1716945 (VCV001716945.5), dbSNP rs1386677534, ClinGen allele CA397130012.